The following is an entry in ClinVar:

NM_004360.5(CDH1):c.14G>A (p.Ser5Asn)

Gene: CDH1 (cadherin 1; plus strand). Cytogenetic location: 16q22.1.
Variant type: single nucleotide variant.
Coding change: c.14G>A on transcript NM_004360.5 (MANE Select); coding-DNA position 14, G replaced by A.
Protein change: p.Ser5Asn; replaces serine 5 with asparagine.
Molecular consequence: missense variant. On other transcripts: 5 prime UTR variant (2).
Genome position (GRCh38, 1-based): chr16:68,737,429, G>A. VCF-style: chr16-68737429-G-A. GRCh37 (hg19) VCF-style: chr16-68771332-G-A.
Other names: c.14G>A, p.Ser5Asn (NM_001317184.2); c.-1602G>A (NM_001317185.2); c.-1806G>A (NM_001317186.2); short protein forms S5N.
Identifiers: ClinVar variation 855406 (VCV000855406.12), dbSNP rs998138284, ClinGen allele CA396451266.

ClinVar aggregate classification (germline): Conflicting classifications of pathogenicity. Review status: criteria provided, conflicting classifications (1 of 4 stars). 2 submissions from 2 submitters: Uncertain significance (1); Likely benign (1). Last evaluated 2026-06-03.

Conditions:
Hereditary cancer-predisposing syndrome. Also called: Tumor predisposition; Neoplastic Syndromes, Hereditary; Hereditary neoplastic syndrome; Hereditary Cancer Syndrome. Identifiers: Orphanet 140162, MedGen C0027672, MeSH D009386, MONDO:0015356.
Hereditary diffuse gastric adenocarcinoma (HDGC). Also called: DIFFUSE GASTRIC AND LOBULAR BREAST CANCER SYNDROME. Identifiers: Orphanet 26106, MedGen C1708349, MONDO:0007648, OMIM 137215.

Submissions (2):

Ambry Genetics
Classification: Likely benign for Hereditary cancer-predisposing syndrome. Last evaluated: 2026-06-03. Review status: criteria provided, single submitter. Criteria: Ambry Variant Classification Scheme 2023. Collection method: clinical testing. Allele origin: germline.

Labcorp Genetics (formerly Invitae), Labcorp
Classification: Uncertain significance for Hereditary diffuse gastric adenocarcinoma. Last evaluated: 2025-10-08. Review status: criteria provided, single submitter. Criteria: Invitae Variant Classification Sherloc (09022015). Collection method: clinical testing. Allele origin: germline.
Comment: This sequence change replaces serine, which is neutral and polar, with asparagine, which is neutral and polar, at codon 5 of the CDH1 protein (p.Ser5Asn). This variant is not present in population databases (gnomAD no frequency). This variant has not been reported in the literature in individuals affected with CDH1-related conditions. ClinVar contains an entry for this variant (Variation ID: 855406). An algorithm developed to predict the effect of missense changes on protein structure and function (PolyPhen-2) suggests that this variant is likely to be tolerated. In summary, the available evidence is currently insufficient to determine the role of this variant in disease. Therefore, it has been classified as a Variant of Uncertain Significance.